The following is an entry in ClinVar:

NM_020693.4(DSCAML1):c.1009G>A (p.Ala337Thr)

Gene: DSCAML1 (DS cell adhesion molecule like 1; minus strand). Cytogenetic location: 11q23.3.
Variant type: single nucleotide variant.
Coding change: c.1009G>A on transcript NM_020693.4 (MANE Select); coding-DNA position 1009, G replaced by A.
Protein change: p.Ala337Thr; replaces alanine 337 with threonine.
Molecular consequence: missense variant.
Genome position (GRCh38, 1-based): chr11:117,521,334, C>T on the plus strand (G>A on the coding strand, the complement: DSCAML1 is on the minus strand). VCF-style: chr11-117521334-C-T. GRCh37 (hg19) VCF-style: chr11-117392049-C-T.
Other names: c.1009G>A, p.Ala337Thr (NM_001367904.1); c.601G>A, p.Ala201Thr (NM_001367905.1); short protein forms A201T, A337T.
Identifiers: ClinVar variation 3721376 (VCV003721376.2).

ClinVar aggregate classification (germline): Uncertain significance (1 of 4 stars; one submission).

Submission:

Labcorp Genetics (formerly Invitae), Labcorp
Classification: Uncertain significance. Last evaluated: 2024-09-23. Review status: criteria provided, single submitter. Criteria: Invitae Variant Classification Sherloc (09022015). Collection method: clinical testing. Allele origin: germline.
Comment: This sequence change replaces alanine, which is neutral and non-polar, with threonine, which is neutral and polar, at codon 397 of the DSCAML1 protein (p.Ala397Thr). This variant is present in population databases (rs779602155, gnomAD 0.01%). This variant has not been reported in the literature in individuals affected with DSCAML1-related conditions. An algorithm developed to predict the effect of missense changes on protein structure and function outputs the following: PolyPhen-2: "Benign". The threonine amino acid residue is found in multiple mammalian species, which suggests that this missense change does not adversely affect protein function. In summary, the available evidence is currently insufficient to determine the role of this variant in disease. Therefore, it has been classified as a Variant of Uncertain Significance.